The following is an entry in ClinVar:

NM_201384.3(PLEC):c.12749_12751del (p.Val4250del)

Gene: PLEC (plectin; minus strand). Cytogenetic location: 8q24.3.
Variant type: Deletion.
Coding change: c.12749_12751del on transcript NM_201384.3 (MANE Select); coding-DNA positions 12749 to 12751, 3 bases deleted (TGG; older notation c.12749_12751delTGG).
Protein change: p.Val4250del; deletes valine 4250.
Molecular consequence: inframe deletion.
Genome position (GRCh38, 1-based): chr8:143,917,070-143,917,072, CCA deleted on the plus strand (TGG on the coding strand, the reverse complement: PLEC is on the minus strand); deleting any 3 consecutive bases within chr8:143,917,070-143,917,074 gives the same sequence; the c. name uses the placement nearest the transcript's 3' end. VCF-style (leftmost placement, unchanged base first): chr8-143917069-CCCA-C. GRCh37 (hg19) VCF-style: chr8-144991237-CCCA-C.
Other names: c.12830_12832del, p.Val4277del (NM_000445.5); c.12707_12709del, p.Val4236del (NM_201378.4); c.12683_12685del, p.Val4228del (NM_201379.3); c.13160_13162del, p.Val4387del (NM_201380.4); c.12653_12655del, p.Val4218del (NM_201381.3); c.12749_12751del, p.Val4250del (NM_201382.4); c.12761_12763del, p.Val4254del (NM_201383.3); short protein forms V4254del, V4236del, V4218del, V4228del, V4277del, V4250del, V4387del.
Identifiers: ClinVar variation 471537 (VCV000471537.9), dbSNP rs1434994443, ClinGen allele CA586158207.
Genomic context (GRCh38, chr8:143,917,069, plus strand): 5'-GACCAGGAGGCCAGCTGGGTCCTGGAGACGGCGGGGCTGATGGGGTAGGAGGAGGAGGAT[CCCA>C]CCGAGGAGGAACGGGAGCGGAAACCACCGGCGTTGCCCGAGAGCATGTCGGCGAACTCGG-3'

ClinVar aggregate classification (germline): Uncertain significance (1 of 4 stars; one submission).

Conditions:
Epidermolysis bullosa simplex with nail dystrophy (EBS5D). Identifiers: MedGen C4225309, MONDO:0014661, OMIM 616487.
Epidermolysis bullosa simplex, Ogna type (EBS5A). Also called: Pidermolysis bullosa simplex 5A, Ogna type; EPIDERMOLYSIS BULLOSA SIMPLEX 5A, OGNA TYPE. Identifiers: Orphanet 79401, MedGen C0432317, MONDO:0007555, OMIM 131950.
Autosomal recessive limb-girdle muscular dystrophy type 2Q (LGMDR17). Also called: MUSCULAR DYSTROPHY, LIMB-GIRDLE, AUTOSOMAL RECESSIVE 17. Identifiers: Orphanet 254361, MedGen C3150989, MONDO:0013390, OMIM 613723.
Epidermolysis bullosa simplex 5C, with pyloric atresia (EBS5C). Also called: PLEC-Related Epidermolysis Bullosa with Pyloric Atresia; Epidermolysis bullosa simplex with pyloric atresia; PLEC1-Related Epidermolysis Bullosa with Pyloric Atresia. Identifiers: Orphanet 158684, MedGen C2677349, MONDO:0012807, OMIM 612138.
Epidermolysis bullosa simplex 5B, with muscular dystrophy (EBS5B). Also called: EPIDERMOLYSIS BULLOSA SIMPLEX AND LIMB-GIRDLE MUSCULAR DYSTROPHY; Epidermolysis bullosa simplex with muscular dystrophy. Identifiers: Orphanet 257, MedGen C2931072, MONDO:0009181, OMIM 226670.

Submission:

Labcorp Genetics (formerly Invitae), Labcorp
Classification: Uncertain significance for Autosomal recessive limb-girdle muscular dystrophy type 2Q; Epidermolysis bullosa simplex, Ogna type; Epidermolysis bullosa simplex with nail dystrophy; Epidermolysis bullosa simplex 5C, with pyloric atresia; Epidermolysis bullosa simplex 5B, with muscular dystrophy. Last evaluated: 2024-07-06. Review status: criteria provided, single submitter. Criteria: Invitae Variant Classification Sherloc (09022015). Collection method: clinical testing. Allele origin: germline.
Comment: This variant, c.12830_12832del, results in the deletion of 1 amino acid(s) of the PLEC protein (p.Val4277del), but otherwise preserves the integrity of the reading frame. This variant is present in population databases (no rsID available, gnomAD 0.002%). This variant has not been reported in the literature in individuals affected with PLEC-related conditions. ClinVar contains an entry for this variant (Variation ID: 471537). Experimental studies and prediction algorithms are not available or were not evaluated, and the functional significance of this variant is currently unknown. In summary, the available evidence is currently insufficient to determine the role of this variant in disease. Therefore, it has been classified as a Variant of Uncertain Significance.